The following is an entry in ClinVar:

ClinVar aggregate classification (germline): Likely pathogenic (1 of 4 stars; one submission).

Submission:

Centre of Medical Genetics, University Hospital Muenster
Classification: Likely pathogenic. Last evaluated: 2024-04-22. Review status: criteria provided, single submitter. Criteria: ACMG Guidelines, 2015. Collection method: clinical testing. Allele origin: unknown. Affected: yes. Observed: 1 variant allele.
Comment: ACMG categories: PVS1,PM2

NM_001042492.3(NF1):c.7189+2del

Gene: NF1 (neurofibromin 1; plus strand). Cytogenetic location: 17q11.2.
Variant type: Deletion.
Coding change: c.7189+2del on transcript NM_001042492.3 (MANE Select); the canonical splice donor site of the intron after coding-DNA position 7189, one base deleted (T; older notation c.7189+2delT).
Molecular consequence: splice donor variant.
Genome position (GRCh38, 1-based): chr17:31,343,137, T deleted. VCF-style (leftmost placement, unchanged base first): chr17-31343136-GT-G. GRCh37 (hg19) VCF-style: chr17-29670154-GT-G.
Other names: c.7126+2del (NM_000267.4).
Identifiers: ClinVar variation 3383420 (VCV003383420.2).
Genomic context (GRCh38, chr17:31,343,136, plus strand): 5'-TTGTTGGACTCAATTTCAACTCTAACTTTAACTTTGCATTGGTTGGACACCTTTTAAAAG[GT>G]AAAAAAGCCTTATTTAGAATATTTTTATGAAGTACTATTAAGAAACCAGAAGTAATTTGA-3'